The following is an entry in ClinVar:

NM_147127.5(EVC2):c.2350A>G (p.Met784Val)

Gene: EVC2 (EvC ciliary complex subunit 2; minus strand). Cytogenetic location: 4p16.2.
Variant type: single nucleotide variant.
Coding change: c.2350A>G on transcript NM_147127.5 (MANE Select); coding-DNA position 2350, A replaced by G.
Protein change: p.Met784Val; replaces methionine 784 with valine.
Molecular consequence: missense variant.
Genome position (GRCh38, 1-based): chr4:5,622,688, T>C on the plus strand (A>G on the coding strand, the complement: EVC2 is on the minus strand). VCF-style: chr4-5622688-T-C. GRCh37 (hg19) VCF-style: chr4-5624415-T-C.
Other names: c.2110A>G, p.Met704Val (NM_001166136.2); short protein forms M784V, M704V.
Identifiers: ClinVar variation 546567 (VCV000546567.18), dbSNP rs202191109, ClinGen allele CA2834746.

ClinVar aggregate classification (germline): Conflicting classifications of pathogenicity. Review status: criteria provided, conflicting classifications (1 of 4 stars). 3 submissions from 3 submitters: Uncertain significance (2); Likely benign (1). Last evaluated 2026-01-27.

Conditions:
Inborn genetic diseases. Identifiers: MedGen C0950123, MeSH D030342.
Ellis-van Creveld syndrome (EVC). Also called: MESOECTODERMAL DYSPLASIA; EVC-Related Ellis-van Creveld Syndrome; EVC2-Related Ellis-van Creveld Syndrome; Chondroectodermal dysplasia. Identifiers: Orphanet 289, MedGen C0013903, MONDO:0009162, OMIM 225500.
Curry-Hall syndrome (WAD). Also called: WEYERS ACRODENTAL DYSOSTOSIS. Identifiers: Orphanet 952, MedGen C0457013, MONDO:0008673, OMIM 193530.

Allele frequency attached by ClinVar (database versions not stated): gnomAD 0.00002 and 0.00003; TOPMed 0.00004; ESP Exome Variant Server 0.00008.
gnomAD v4.1: 100 of 1,613,904 alleles (0.0062%); highest among the groups gnomAD compares: Middle Eastern, 0.35%; no homozygotes.

Submissions (3):

Labcorp Genetics (formerly Invitae), Labcorp
Classification: Likely benign for Curry-Hall syndrome; Ellis-van Creveld syndrome. Last evaluated: 2026-01-27. Review status: criteria provided, single submitter. Criteria: Invitae Variant Classification Sherloc (09022015). Collection method: clinical testing. Allele origin: germline.

GeneDx
Classification: Uncertain significance. Last evaluated: 2024-02-27. Review status: criteria provided, single submitter. Criteria: GeneDx Variant Classification Process June 2021. Collection method: clinical testing. Allele origin: germline. Affected: yes.
Comment: In silico analysis supports that this missense variant does not alter protein structure/function; Has not been previously published as pathogenic or benign to our knowledge

Ambry Genetics
Classification: Uncertain significance for Inborn genetic diseases. Last evaluated: 2022-08-11. Review status: criteria provided, single submitter. Criteria: Ambry Variant Classification Scheme 2023. Collection method: clinical testing. Allele origin: germline.